The following is an entry in ClinVar:

Conditions:
Long QT syndrome 5 (LQT5). Identifiers: Orphanet 101016, Orphanet 768, MedGen C1867904, MONDO:0013372, OMIM 613695.

Submission:

Roden Lab, Vanderbilt University Medical Center
No classification provided (evidence only). Condition: Long QT syndrome 5. Review status: no classification provided. Collection method: in vitro. Allele origin: not applicable. Functional consequence: Effect on ion channel function.
ClinVar note: "not provided" was previously submitted as the classification for the variant. However, the classification appeared to be based only on an observation of functional data so it was converted to no classification on 2025-07-30.

NM_000219.6(KCNE1):c.157T>A (p.Phe53Ile)

Gene: KCNE1 (potassium voltage-gated channel subfamily E regulatory subunit 1; minus strand). Cytogenetic location: 21q22.12.
Variant type: single nucleotide variant.
Coding change: c.157T>A on transcript NM_000219.6 (MANE Select); coding-DNA position 157, T replaced by A.
Protein change: p.Phe53Ile; replaces phenylalanine 53 with isoleucine.
Molecular consequence: missense variant.
Genome position (GRCh38, 1-based): chr21:34,449,478, A>T on the plus strand (T>A on the coding strand, the complement: KCNE1 is on the minus strand). VCF-style: chr21-34449478-A-T. GRCh37 (hg19) VCF-style: chr21-35821776-A-T.
Other names: c.157T>A, p.Phe53Ile (NM_001127668.4, NM_001127669.4, NM_001127670.4 and 4 more transcripts); short protein forms F53I.
Identifiers: ClinVar variation 3374196 (VCV003374196.2).
Genomic context (GRCh38, chr21:34,449,478, plus strand): 5'-GCTCCAGCTTCTTGGAGCGGATGTAGCTCAGCATGATGCCCAGGGTGAAGAAGCCGAAGA[A>T]TCCCAGTACCATGAGGACGTAGAGGGCCTCCAGCTTGCCGTCACTGCTGCGGGGGGACCT-3'
Protein context (NP_000210.2, residues 43-63): EALYVLMVLG[Phe53Ile]FGFFTLGIML